The following is an entry in ClinVar:

ClinVar aggregate classification (germline): Uncertain significance (1 of 4 stars; one submission).

Conditions:
Rubinstein-Taybi syndrome due to EP300 haploinsufficiency. Also called: EP300-Related Rubinstein-Taybi Syndrome; RUBINSTEIN-TAYBI SYNDROME 2. Identifiers: Orphanet 353284, Orphanet 783, MedGen C3150941, MONDO:0013364, OMIM 613684.

Submission:

Labcorp Genetics (formerly Invitae), Labcorp
Classification: Uncertain significance for Rubinstein-Taybi syndrome due to EP300 haploinsufficiency. Last evaluated: 2025-11-18. Review status: criteria provided, single submitter. Criteria: Invitae Variant Classification Sherloc (09022015). Collection method: clinical testing. Allele origin: germline.
Comment: This sequence change replaces methionine, which is neutral and non-polar, with isoleucine, which is neutral and non-polar, at codon 2189 of the EP300 protein (p.Met2189Ile). This variant is not present in population databases (gnomAD no frequency). This variant has not been reported in the literature in individuals affected with EP300-related conditions. Invitae Evidence Modeling of protein sequence and biophysical properties (such as structural, functional, and spatial information, amino acid conservation, physicochemical variation, residue mobility, and thermodynamic stability) indicates that this missense variant is not expected to disrupt EP300 protein function with a negative predictive value of 80%. In summary, the available evidence is currently insufficient to determine the role of this variant in disease. Therefore, it has been classified as a Variant of Uncertain Significance.

NM_001429.4(EP300):c.6567G>C (p.Met2189Ile)

Gene: EP300 (EP300 lysine acetyltransferase; plus strand). Cytogenetic location: 22q13.2.
Variant type: single nucleotide variant.
Coding change: c.6567G>C on transcript NM_001429.4 (MANE Select); coding-DNA position 6567, G replaced by C.
Protein change: p.Met2189Ile; replaces methionine 2189 with isoleucine.
Molecular consequence: missense variant.
Genome position (GRCh38, 1-based): chr22:41,178,278, G>C. VCF-style: chr22-41178278-G-C. GRCh37 (hg19) VCF-style: chr22-41574282-G-C.
Other names: c.6489G>C, p.Met2163Ile (NM_001362843.2); short protein forms M2189I, M2163I.
Identifiers: ClinVar variation 4743192 (VCV004743192.1).